The following is an entry in ClinVar:

NM_002335.4(LRP5):c.1957G>C (p.Ala653Pro)

Gene: LRP5 (LDL receptor related protein 5; plus strand). Cytogenetic location: 11q13.2.
Variant type: single nucleotide variant.
Coding change: c.1957G>C on transcript NM_002335.4 (MANE Select); coding-DNA position 1957, G replaced by C.
Protein change: p.Ala653Pro; replaces alanine 653 with proline.
Molecular consequence: missense variant.
Genome position (GRCh38, 1-based): chr11:68,406,679, G>C. VCF-style: chr11-68406679-G-C. GRCh37 (hg19) VCF-style: chr11-68174147-G-C.
Other names: c.214G>C, p.Ala72Pro (NM_001291902.2); short protein forms A653P, A72P.
Identifiers: ClinVar variation 5040219 (VCV005040219.1).

ClinVar aggregate classification (germline): Uncertain significance (1 of 4 stars; one submission).

Submission:

CeGaT Center for Human Genetics Tuebingen
Classification: Uncertain significance. Last evaluated: 2026-07-01. Review status: criteria provided, single submitter. Criteria: CeGaT Center For Human Genetics Tuebingen Variant Classification Criteria Version 2. Collection method: clinical testing. Allele origin: germline. Affected: yes. Observed: 1 variant allele.
Comment: LRP5: PM2, PS2:Supporting